The following is an entry in ClinVar:

ClinVar aggregate classification (germline): Likely pathogenic (1 of 4 stars; one submission).

Conditions:
Lysosomal acid lipase deficiency. Also called: Acid cholesteryl ester hydrolase deficiency, type 2. Identifiers: Orphanet 275761, MedGen C5574740, MONDO:0800449, MONDO:0010204.

Submission:

Natera, Inc.
Classification: Likely pathogenic for Lysosomal acid lipase deficiency. Last evaluated: 2024-10-07. Review status: criteria provided, single submitter. Criteria: Natera Variant Classification Schema (03/2026). Collection method: clinical testing. Allele origin: germline.
Comment: The c.313_322delGGCTTCATTCinsTTGCTG variant in LIPA is a frameshift variant predicted to shift the reading frame beginning at codon 105 and leads to a stop codon 55 codons downstream. This variant is expected to result in nonsense mediated decay, truncation, or a dysfunctional protein product. This variant is rare in the general population with a frequency below the threshold expected for the associated phenotype(s). Given the available evidence, this variant is classified as Likely Pathogenic.

NM_000235.4(LIPA):c.313_322delinsTTGCTG (p.Gly105fs)

Gene: LIPA (lipase A, lysosomal acid type; minus strand). Cytogenetic location: 10q23.31.
Variant type: Indel.
Coding change: c.313_322delinsTTGCTG on transcript NM_000235.4 (MANE Select); coding-DNA positions 313 to 322, GGCTTCATTC replaced by TTGCTG.
Protein change: p.Gly105fs; shifts the reading frame from glycine 105.
Molecular consequence: frameshift variant. On other transcripts: 5 prime UTR variant (1).
Genome position (GRCh38, 1-based): chr10:89,228,306-89,228,315, GAATGAAGCC replaced by CAGCAA on the plus strand (GGCTTCATTC replaced by TTGCTG on the coding strand, the reverse complement: LIPA is on the minus strand). VCF-style: chr10-89228306-GAATGAAGCC-CAGCAA. GRCh37 (hg19) VCF-style: chr10-90988063-GAATGAAGCC-CAGCAA.
Other names: c.313_322delGGCTTCATTCinsTTGCTG (NM_000235.3); c.313_322delinsTTGCTG, p.Gly105fs (NM_001127605.3); c.-36_-27delinsTTGCTG (NM_001288979.2); short protein forms G105fs.
Identifiers: ClinVar variation 4817955 (VCV004817955.1).
Genomic context (GRCh38, chr10:89,228,306, plus strand): 5'-TCCGAGACCAGGTATTTCCTCTGCTGTTGCCCATCCACACGTCAAAACCAGCATCAGCAA[GAATGAAGCC>CAGCAA]CAGGCTGCTGTTGGCAAGGTTTGTGACCCAGTTACTAGAATCTGCCAGCAAGCCATGTTG-3'